The following is an entry in ClinVar:

ClinVar aggregate classification (germline): Uncertain significance. Review status: criteria provided, multiple submitters, no conflicts (2 of 4 stars). 2 submissions from 2 submitters: Uncertain significance (2). Last evaluated 2024-03-18.

Conditions:
Cortical dysplasia-focal epilepsy syndrome (PTHSL1). Also called: Pitt-Hopkins-like syndrome 1. Identifiers: Orphanet 163681, Orphanet 221150, MedGen C2750246, MONDO:0012400, OMIM 610042.

Allele frequency attached by ClinVar (database versions not stated): gnomAD exomes below 0.00001; TOPMed below 0.00001.
gnomAD v4.1: 3 of 1,614,168 alleles (0.00019%); highest among the groups gnomAD compares: Non-Finnish European, 0.00025%; no homozygotes.

Submissions (2):

GeneDx
Classification: Uncertain significance. Last evaluated: 2024-03-18. Review status: criteria provided, single submitter. Criteria: GeneDx Variant Classification Process June 2021. Collection method: clinical testing. Allele origin: germline. Affected: yes.
Comment: Not observed at significant frequency in large population cohorts (gnomAD); In silico analysis supports that this missense variant has a deleterious effect on protein structure/function; Has not been previously published as pathogenic or benign to our knowledge

Labcorp Genetics (formerly Invitae), Labcorp
Classification: Uncertain significance for Cortical dysplasia-focal epilepsy syndrome. Last evaluated: 2021-08-31. Review status: criteria provided, single submitter. Criteria: Invitae Variant Classification Sherloc (09022015). Collection method: clinical testing. Allele origin: germline.
Comment: This sequence change replaces proline with leucine at codon 806 of the CNTNAP2 protein (p.Pro806Leu). The proline residue is highly conserved and there is a moderate physicochemical difference between proline and leucine. This variant is not present in population databases (ExAC no frequency). This variant has not been reported in the literature in individuals affected with CNTNAP2-related conditions. Algorithms developed to predict the effect of missense changes on protein structure and function are either unavailable or do not agree on the potential impact of this missense change (SIFT: "Deleterious"; PolyPhen-2: "Benign"; Align-GVGD: "Class C15"). In summary, the available evidence is currently insufficient to determine the role of this variant in disease. Therefore, it has been classified as a Variant of Uncertain Significance.

NM_014141.6(CNTNAP2):c.2417C>T (p.Pro806Leu)

Gene: CNTNAP2 (contactin associated protein 2; plus strand). Cytogenetic location: 7q35.
Variant type: single nucleotide variant.
Coding change: c.2417C>T on transcript NM_014141.6 (MANE Select); coding-DNA position 2417, C replaced by T.
Protein change: p.Pro806Leu; replaces proline 806 with leucine.
Molecular consequence: missense variant.
Genome position (GRCh38, 1-based): chr7:148,118,151, C>T. VCF-style: chr7-148118151-C-T. GRCh37 (hg19) VCF-style: chr7-147815243-C-T.
Other names: c.2417C>T (NM_014141.5); short protein forms P806L.
Identifiers: ClinVar variation 1019866 (VCV001019866.7), dbSNP rs1303206447, ClinGen allele CA369927230.